The following is an entry in ClinVar:

NM_024101.7(MLPH):c.345C>T (p.Ile115=)

Gene: MLPH (melanophilin; plus strand). Cytogenetic location: 2q37.3.
Variant type: single nucleotide variant.
Coding change: c.345C>T on transcript NM_024101.7 (MANE Select); coding-DNA position 345, C replaced by T.
Protein change: p.Ile115=; no amino-acid change (isoleucine 115 retained).
Molecular consequence: synonymous variant. On other transcripts: non-coding transcript variant (1).
Genome position (GRCh38, 1-based): chr2:237,511,001, C>T. VCF-style: chr2-237511001-C-T. GRCh37 (hg19) VCF-style: chr2-238419644-C-T.
Other names: c.345C>T, p.Ile115= (NM_001042467.3, NM_001281473.2, NM_001281474.2).
Identifiers: ClinVar variation 752996 (VCV000752996.9), dbSNP rs368834843, ClinGen allele CA2190173.

ClinVar aggregate classification (germline): Likely benign. Review status: criteria provided, multiple submitters, no conflicts (2 of 4 stars). 3 submissions from 3 submitters: Likely benign (2). 1 of the submissions does not count toward it. Last evaluated 2024-11-11.

Conditions:
MLPH-related disorder. Also called: MLPH-related condition.

Allele frequency attached by ClinVar (database versions not stated): TOPMed 0.00005; ESP Exome Variant Server 0.00008; gnomAD 0.00009 and 0.00013; gnomAD exomes 0.00021 and 0.00023; ExAC 0.00030; 1000 Genomes Project 0.00060; 1000 Genomes Project 30x 0.00078.
gnomAD v4.1: 320 of 1,613,536 alleles (0.02%); highest among the groups gnomAD compares: South Asian, 0.12%; 1 homozygote.

Submissions (3):

Blueprint Genetics
Classification: Likely benign. Last evaluated: 2024-11-11. Review status: criteria provided, single submitter. Criteria: ACMG Guidelines, 2015. Collection method: clinical testing. Allele origin: germline.

Labcorp Genetics (formerly Invitae), Labcorp
Classification: Likely benign. Last evaluated: 2023-07-13. Review status: criteria provided, single submitter. Criteria: Invitae Variant Classification Sherloc (09022015). Collection method: clinical testing. Allele origin: germline.

PreventionGenetics, part of Exact Sciences
Classification: Likely benign for MLPH-related condition. Last evaluated: 2019-05-08. Review status: no assertion criteria provided. Collection method: clinical testing. Allele origin: germline. Not counted in ClinVar's aggregate classification.
Comment: This variant is classified as likely benign based on ACMG/AMP sequence variant interpretation guidelines (Richards et al. 2015 PMID: 25741868, with internal and published modifications).